The following is an entry in ClinVar:

ClinVar aggregate classification (germline): Uncertain significance (1 of 4 stars; one submission).

Conditions:
Inborn genetic diseases. Identifiers: MedGen C0950123, MeSH D030342.

Allele frequency attached by ClinVar (database versions not stated): gnomAD 0.00001; TOPMed 0.00001.
gnomAD v4.1: 22 of 1,614,108 alleles (0.0014%); highest among the groups gnomAD compares: Non-Finnish European, 0.0018%; no homozygotes.

Submission:

Ambry Genetics
Classification: Uncertain significance for Inborn genetic diseases. Last evaluated: 2024-02-27. Review status: criteria provided, single submitter. Criteria: Ambry Variant Classification Scheme 2023. Collection method: clinical testing. Allele origin: germline.
Comment: The p.H208Q variant (also known as c.624C>A), located in coding exon 6 of the EPAS1 gene, results from a C to A substitution at nucleotide position 624. The histidine at codon 208 is replaced by glutamine, an amino acid with highly similar properties. This amino acid position is conserved. In addition, this alteration is predicted to be tolerated by in silico analysis. Since supporting evidence is limited at this time, the clinical significance of this alteration remains unclear.

NM_001430.5(EPAS1):c.624C>A (p.His208Gln)

Genes: EPAS1 (endothelial PAS domain protein 1; plus strand), LOC126806210 (BRD4-independent group 4 enhancer GRCh37_chr2:46587586-46588785; plus strand). Cytogenetic location: 2p21.
Variant type: single nucleotide variant.
Coding change: c.624C>A on transcript NM_001430.5 (MANE Select); coding-DNA position 624, C replaced by A.
Protein change: p.His208Gln; replaces histidine 208 with glutamine.
Molecular consequence: missense variant.
Genome position (GRCh38, 1-based): chr2:46,360,935, C>A. VCF-style: chr2-46360935-C-A. GRCh37 (hg19) VCF-style: chr2-46588074-C-A.
Other names: short protein forms H208Q.
Identifiers: ClinVar variation 1752421 (VCV001752421.2), dbSNP rs1316944867, ClinGen allele CA346699910.
Genomic context (GRCh38, chr2:46,360,935, plus strand): 5'-CCTGTCTCAGGTCTTGCACTGCACGGGCCAGGTGAAAGTCTACAACAACTGCCCTCCTCA[C>A]AATAGTCTGTGTGGCTACAAGGAGCCCCTGCTGTCCTGCCTCATCATCATGTGTGAACCA-3'
Protein context (NP_001421.2, residues 198-218): QVKVYNNCPP[His208Gln]NSLCGYKEPL